The following is an entry in ClinVar:

ClinVar aggregate classification (germline): Likely benign. Review status: criteria provided, multiple submitters, no conflicts (2 of 4 stars). 3 submissions from 3 submitters: Likely benign (3). Last evaluated 2025-06-13.

Conditions:
Methylmalonic acidemia with homocystinuria, type cblJ (MAHCJ). Also called: METHYLMALONIC ACIDURIA AND HOMOCYSTINURIA, cblJ TYPE. Identifiers: Orphanet 369955, MedGen C3553915, MONDO:0013925, OMIM 614857.

Allele frequency attached by ClinVar (database versions not stated): gnomAD exomes 0.00003; gnomAD 0.00004 and 0.00005; TOPMed 0.00003; 1000 Genomes Project 30x 0.00016; ExAC 0.00003; 1000 Genomes Project 0.00020.
gnomAD v4.1: 103 of 1,614,096 alleles (0.0064%); highest among the groups gnomAD compares: Non-Finnish European, 0.0086%; no homozygotes.

Submissions (3):

Mayo Clinic Laboratories, Mayo Clinic
Classification: Likely benign. Last evaluated: 2025-06-13. Review status: criteria provided, single submitter. Criteria: ACMG Guidelines, 2015. Collection method: clinical testing. Allele origin: germline. Observed: 1 variant allele.
Comment: BP4, BP7

Labcorp Genetics (formerly Invitae), Labcorp
Classification: Likely benign for Methylmalonic acidemia with homocystinuria, type cblJ. Last evaluated: 2023-08-10. Review status: criteria provided, single submitter. Criteria: Invitae Variant Classification Sherloc (09022015). Collection method: clinical testing. Allele origin: germline.

GeneDx
Classification: Likely benign. Last evaluated: 2017-01-04. Review status: criteria provided, single submitter. Criteria: GeneDx Variant Classification (06012015). Collection method: clinical testing. Allele origin: germline. Affected: yes.
Comment: This variant is considered likely benign or benign based on one or more of the following criteria: it is a conservative change, it occurs at a poorly conserved position in the protein, it is predicted to be benign by multiple in silico algorithms, and/or has population frequency not consistent with disease.

NM_005050.4(ABCD4):c.1327+8C>T

Gene: ABCD4 (ATP binding cassette subfamily D member 4; minus strand). Cytogenetic location: 14q24.3.
Variant type: single nucleotide variant.
Coding change: c.1327+8C>T on transcript NM_005050.4 (MANE Select); 8 bases into the intron after coding-DNA position 1327, C replaced by T.
Molecular consequence: intron variant.
Genome position (GRCh38, 1-based): chr14:74,290,283, G>A on the plus strand (C>T on the coding strand, the complement: ABCD4 is on the minus strand). VCF-style: chr14-74290283-G-A. GRCh37 (hg19) VCF-style: chr14-74756986-G-A.
Other names: p.?; c.538+8C>T (NM_001353607.2, NM_001353604.2, NM_001353603.2 and 6 more transcripts); c.850+8C>T (NM_001353598.2, NM_001353601.2, NM_001353600.2 and 2 more transcripts); c.1015+8C>T (NM_001353594.2); c.1066+8C>T (NM_001353593.2); c.862+8C>T (NM_001353597.2); c.913+8C>T (NM_001353596.2, NM_001353595.2); c.1201+8C>T (NM_001353591.2, NM_001353592.2); and 1 more.
Identifiers: ClinVar variation 392574 (VCV000392574.11), dbSNP rs199678602, ClinGen allele CA7266857.
Genomic context (GRCh38, chr14:74,290,283, plus strand): 5'-CCGTCCCCGCCTTCACCCCACCCCTAGGGCCCAGGCTGGGTCAGAGGCAGGGAGGGCCTG[G>A]CTCTCACCCCGTGTACTCGTCCAGAGGCCACCCAGAACCCGGAGCAAGGAGGTCTTGCCA-3'